The following is an entry in ClinVar:

NM_020738.4(KIDINS220):c.4584A>G (p.Thr1528=)

Gene: KIDINS220 (kinase D interacting substrate 220; minus strand). Cytogenetic location: 2p25.1.
Variant type: single nucleotide variant.
Coding change: c.4584A>G on transcript NM_020738.4 (MANE Select); coding-DNA position 4584, A replaced by G.
Protein change: p.Thr1528=; no amino-acid change (threonine 1528 retained).
Molecular consequence: synonymous variant. On other transcripts: intron variant (6).
Genome position (GRCh38, 1-based): chr2:8,731,452, T>C on the plus strand (A>G on the coding strand, the complement: KIDINS220 is on the minus strand). VCF-style: chr2-8731452-T-C. GRCh37 (hg19) VCF-style: chr2-8871582-T-C.
Other names: c.4587A>G, p.Thr1529= (NM_001348729.2); c.4530A>G, p.Thr1510= (NM_001348731.2); c.4527A>G, p.Thr1509= (NM_001348732.2); c.4416A>G, p.Thr1472= (NM_001348734.2); c.4413A>G, p.Thr1471= (NM_001348735.2); c.4287A>G, p.Thr1429= (NM_001348736.2); c.3882+1992A>G (NM_001348741.2, NM_001348742.2, NM_001348743.2); c.3996+1992A>G (NM_001348738.2); and 1 more.
Identifiers: ClinVar variation 3353766 (VCV003353766.1).

ClinVar aggregate classification (germline): Likely benign (0 of 4 stars; one submission).

Conditions:
KIDINS220-related disorder. Also called: KIDINS220-related condition.

Submission:

PreventionGenetics, part of Exact Sciences
Classification: Likely benign for KIDINS220-related condition. Last evaluated: 2022-07-20. Review status: no assertion criteria provided. Collection method: clinical testing. Allele origin: germline.
Comment: This variant is classified as likely benign based on ACMG/AMP sequence variant interpretation guidelines (Richards et al. 2015 PMID: 25741868, with internal and published modifications).